The following is an entry in ClinVar:

ClinVar aggregate classification (germline): Uncertain significance (1 of 4 stars; one submission).

Conditions:
ITSN1-related disorder. Also called: ITSN1-related condition.

Allele frequency attached by ClinVar (database versions not stated): gnomAD exomes below 0.00001.
gnomAD v4.1: 4 of 1,594,036 alleles (0.00025%); highest among the groups gnomAD compares: South Asian, 0.0045%; no homozygotes.

Submission:

PreventionGenetics, part of Exact Sciences
Classification: Uncertain significance for ITSN1-related condition. Last evaluated: 2022-11-29. Review status: criteria provided, single submitter. Criteria: ACMG Guidelines, 2015. Collection method: clinical testing. Allele origin: germline.
Comment: The ITSN1 c.1615G>A variant is predicted to result in the amino acid substitution p.Gly539Arg. To our knowledge, this variant has not been reported in the literature or in a large population database, indicating this variant is rare. At this time, the clinical significance of this variant is uncertain due to the absence of conclusive functional and genetic evidence.

NM_003024.3(ITSN1):c.1615G>A (p.Gly539Arg)

Gene: ITSN1 (intersectin 1; plus strand). Cytogenetic location: 21q22.11.
Variant type: single nucleotide variant.
Coding change: c.1615G>A on transcript NM_003024.3 (MANE Select); coding-DNA position 1615, G replaced by A.
Protein change: p.Gly539Arg; replaces glycine 539 with arginine.
Molecular consequence: missense variant.
Genome position (GRCh38, 1-based): chr21:33,781,479, G>A. VCF-style: chr21-33781479-G-A. GRCh37 (hg19) VCF-style: chr21-35153783-G-A.
Other names: c.1615G>A, p.Gly539Arg (NM_001001132.2, NM_001331008.2, NM_001331009.2 and 2 more transcripts); c.1504G>A, p.Gly502Arg (NM_001331012.2); short protein forms G502R, G539R.
Identifiers: ClinVar variation 2635400 (VCV002635400.1), dbSNP rs2517549493, ClinGen allele CA410125852.